The following is an entry in ClinVar:

NM_021222.3(PRUNE1):c.763A>G (p.Met255Val)

Gene: PRUNE1 (prune exopolyphosphatase 1; plus strand). Cytogenetic location: 1q21.3.
Variant type: single nucleotide variant.
Coding change: c.763A>G on transcript NM_021222.3 (MANE Select); coding-DNA position 763, A replaced by G.
Protein change: p.Met255Val; replaces methionine 255 with valine.
Molecular consequence: missense variant. On other transcripts: non-coding transcript variant (4).
Genome position (GRCh38, 1-based): chr1:151,027,316, A>G. VCF-style: chr1-151027316-A-G. GRCh37 (hg19) VCF-style: chr1-150999792-A-G.
Other names: c.217A>G, p.Met73Val (NM_001303229.2); c.763A>G, p.Met255Val (NM_001303242.2); c.160A>G, p.Met54Val (NM_001303243.2); short protein forms M255V, M54V, M73V.
Identifiers: ClinVar variation 2085336 (VCV002085336.23), dbSNP rs587757975, ClinGen allele CA1083870.
Genomic context (GRCh38, chr1:151,027,316, plus strand): 5'-AGAAAAGACCAGAAGACTATCTATAGACAAGGCGTCAAGGTGGCCATTAGTGCAATATAT[A>G]TGGATTTGGAGGTAAGAGCAAGTTGTGGCTGTGGGTGGGGAGAGAAAGCCTTTAGCTATG-3'
Protein context (NP_067045.1, residues 245-265): GVKVAISAIY[Met255Val]DLEAFLQRSN

ClinVar aggregate classification (germline): Benign/Likely benign. Review status: criteria provided, multiple submitters, no conflicts (2 of 4 stars). 2 submissions from 2 submitters: Benign (1); Likely benign (1). Last evaluated 2025-09-03.

Allele frequency attached by ClinVar (database versions not stated): TOPMed 0.00003; gnomAD 0.00016; gnomAD exomes 0.00036; 1000 Genomes Project 30x 0.00078; ExAC 0.00095; 1000 Genomes Project 0.00100.
gnomAD v4.1: 542 of 1,603,402 alleles (0.034%); highest among the groups gnomAD compares: South Asian, 0.57%; 9 homozygotes.

Submissions (2):

Labcorp Genetics (formerly Invitae), Labcorp
Classification: Benign. Last evaluated: 2025-09-03. Review status: criteria provided, single submitter. Criteria: Invitae Variant Classification Sherloc (09022015). Collection method: clinical testing. Allele origin: germline.

CeGaT Center for Human Genetics Tuebingen
Classification: Likely benign. Last evaluated: 2024-04-01. Review status: criteria provided, single submitter. Criteria: CeGaT Center For Human Genetics Tuebingen Variant Classification Criteria Version 2. Collection method: clinical testing. Allele origin: germline. Affected: yes. Observed: 1 variant allele.
Comment: PRUNE1: BP4, BS2